The following is an entry in ClinVar:

NM_005458.8(GABBR2):c.2487C>A (p.Asn829Lys)

Gene: GABBR2 (gamma-aminobutyric acid type B receptor subunit 2; minus strand). Cytogenetic location: 9q22.33.
Variant type: single nucleotide variant.
Coding change: c.2487C>A on transcript NM_005458.8 (MANE Select); coding-DNA position 2487, C replaced by A.
Protein change: p.Asn829Lys; replaces asparagine 829 with lysine.
Molecular consequence: missense variant.
Genome position (GRCh38, 1-based): chr9:98,299,279, G>T on the plus strand (C>A on the coding strand, the complement: GABBR2 is on the minus strand). VCF-style: chr9-98299279-G-T. GRCh37 (hg19) VCF-style: chr9-101061561-G-T.
Other names: short protein forms N829K.
Identifiers: ClinVar variation 1353503 (VCV001353503.3), dbSNP rs2131344100, ClinGen allele CA374193559.

ClinVar aggregate classification (germline): Uncertain significance (1 of 4 stars; one submission).

Conditions:
Epileptic encephalopathy. Identifiers: MedGen C0543888, HP:0200134.

Submission:

Labcorp Genetics (formerly Invitae), Labcorp
Classification: Uncertain significance for Epileptic encephalopathy. Last evaluated: 2021-08-16. Review status: criteria provided, single submitter. Criteria: Invitae Variant Classification Sherloc (09022015). Collection method: clinical testing. Allele origin: germline.
Comment: This sequence change replaces asparagine with lysine at codon 829 of the GABBR2 protein (p.Asn829Lys). The asparagine residue is highly conserved and there is a moderate physicochemical difference between asparagine and lysine. This variant is not present in population databases (ExAC no frequency). This variant has not been reported in the literature in individuals affected with GABBR2-related conditions. Algorithms developed to predict the effect of missense changes on protein structure and function (SIFT, PolyPhen-2, Align-GVGD) all suggest that this variant is likely to be disruptive. In summary, the available evidence is currently insufficient to determine the role of this variant in disease. Therefore, it has been classified as a Variant of Uncertain Significance.